The following is an entry in ClinVar:

ClinVar aggregate classification (germline): Uncertain significance (1 of 4 stars; one submission).

Conditions:
PKD1L1-related disorder. Also called: PKD1L1-related condition.

gnomAD v4.1: 9 of 1,582,264 alleles (0.00057%); highest among the groups gnomAD compares: Non-Finnish European, 0.00068%; no homozygotes.

Submission:

PreventionGenetics, part of Exact Sciences
Classification: Uncertain significance for PKD1L1-related condition. Last evaluated: 2026-06-13. Review status: criteria provided, single submitter. Criteria: ACMG Guidelines, 2015. Collection method: clinical testing. Allele origin: germline.
Comment: The PKD1L1 c.5945C>T variant is predicted to result in the amino acid substitution p.Pro1982Leu. To our knowledge, this variant has not been reported in the literature or in a large population database (gnomAD), indicating this variant is rare. At this time, the clinical significance of this variant is uncertain due to the absence of conclusive functional and genetic evidence.

NM_138295.5(PKD1L1):c.5945C>T (p.Pro1982Leu)

Gene: PKD1L1 (polycystin 1 like 1, transient receptor potential channel interacting; minus strand). Cytogenetic location: 7p12.3.
Variant type: single nucleotide variant.
Coding change: c.5945C>T on transcript NM_138295.5 (MANE Select); coding-DNA position 5945, C replaced by T.
Protein change: p.Pro1982Leu; replaces proline 1982 with leucine.
Molecular consequence: missense variant.
Genome position (GRCh38, 1-based): chr7:47,835,242, G>A on the plus strand (C>T on the coding strand, the complement: PKD1L1 is on the minus strand). VCF-style: chr7-47835242-G-A. GRCh37 (hg19) VCF-style: chr7-47874840-G-A.
Other names: short protein forms P1982L.
Identifiers: ClinVar variation 4990733 (VCV004990733.1).